The following is an entry in ClinVar:

ClinVar aggregate classification (germline): Pathogenic (1 of 4 stars; one submission).

Submission:

Quest Diagnostics Nichols Institute San Juan Capistrano
Classification: Pathogenic. Last evaluated: 2021-07-27. Review status: criteria provided, single submitter. Criteria: ACMG/ClinGen CNV Guidelines, 2019. Collection method: clinical testing. Allele origin: unknown.
Comment: The copy number loss of 10q26.2q26.3 involves multiple protein coding genes including EBF3 (OMIM 607407). It is expected to cause phenotypic and/or developmental abnormalities. Deletion of 10q26.2q26.3 is associated with chromosome 10q26 deletion syndrome (OMIM 609625). The common clinical features include developmental delays, a distinctive facial dysmorphism, and cardiac and urogenital anomalies (Lin 2016; Yatsenko 2009). Similar deletions in patients with mild to moderate phenotypic presentation were also reported (Iourov 2014; Tanteles 2015). The current deleted region also overlaps the 500 Kb minimal overlapping region of 10q26 deletion syndrome (Cherik 2021), and includes part of DOCK1, which is the major candidate gene (Faria 2016), and INSYN2 and NPS, which could be involved in the cognitive phenotype. Furthermore, haploinsufficiency of EBF3 via loss-of-function sequence variation is associated with autosomal dominant hypotonia, ataxia, and delayed development syndrome (OMIM 617330). References: Cherik et al., Eur J Med Genet. 2021 Jul 9;64(9):104287. PMID: 34252586. Faria AC, et al., Am J Med Genet A. 2016 Feb;170A(2):403-9. PMID: 26566760. Iourov et al., Case Rep Genet. 2014;2014:505832. PMID: 24649379. Lin S et al., Mol Med Rep. 2016 Dec;14(6):5134-5140., PMID: 27779662. Tanteles et al., Case Rep Genet. 2015;2015:242891. PMID: 26294985. Yatsenko et al., Clin Genet. 2009 Jul;76(1):54-62. PMID: 19558528.

GRCh37/hg19 10q26.2-26.3(chr10:128877896-131842835)x1

Genes: CLRN3 (clarin 3; minus strand), DOCK1 (dedicator of cytokinesis 1; plus strand), EBF3 (EBF transcription factor 3; minus strand), FOXI2 (forkhead box I2; plus strand), INSYN2A (inhibitory synaptic factor 2A; minus strand) and 4 more. Cytogenetic location: 10q26.2-26.3.
Variant type: copy number loss.
Change: copy number 1 (one copy instead of two) of chr10:128,877,896-131,842,835 (2.96 Mb, GRCh37 coordinates, 1-based), cytogenetic band 10q26.2-26.3.
Identifiers: ClinVar variation 1807724 (VCV001807724.1).